The following is an entry in ClinVar:

ClinVar aggregate classification (germline): Likely pathogenic (1 of 4 stars; one submission).

Conditions:
Arrhythmogenic right ventricular dysplasia 9 (ARVD9). Also called: Arrhythmogenic Right Ventricular Dysplasia/Cardiomyopathy 9; ARRHYTHMOGENIC RIGHT VENTRICULAR DYSPLASIA, FAMILIAL, 9. Identifiers: MedGen C1836906, MONDO:0012180, OMIM 609040.

Submission:

Labcorp Genetics (formerly Invitae), Labcorp
Classification: Likely pathogenic for Arrhythmogenic right ventricular dysplasia 9. Last evaluated: 2022-06-30. Review status: criteria provided, single submitter. Criteria: Invitae Variant Classification Sherloc (09022015). Collection method: clinical testing. Allele origin: germline.
Comment: This variant results in a copy number gain of the genomic region encompassing exon(s) 12-13 of the PKP2 gene. While the exact position of this variant cannot be determined from the data, sub-genic copy number gains are generally in tandem (PMID: 25640679). This variant is predicted to be out-of-frame, and may result in an absent or disrupted protein product. Loss-of-function variants in PKP2 are known to be pathogenic (PMID: 15489853, 23911551). This variant has not been reported in the literature in individuals affected with PKP2-related conditions. In summary, the currently available evidence indicates that the variant is pathogenic, but additional data are needed to prove that conclusively. Therefore, this variant has been classified as Likely Pathogenic.

Literature cited by the submitters: PubMed 25640679; PubMed 15489853; PubMed 23911551.

NC_000012.11:g.(?_32945558)_(32949252_?)dup

Gene: PKP2 (plakophilin 2; minus strand). Cytogenetic location: 12p11.21.
Variant type: Duplication.
Identifiers: ClinVar variation 2425176 (VCV002425176.3).